The following is an entry in ClinVar:

ClinVar aggregate classification (germline): Pathogenic (1 of 4 stars; one submission).

Conditions:
Maple syrup urine disease (MSUD). Identifiers: Orphanet 511, MedGen C0024776, MeSH D008375, MONDO:0009563. Disease mechanism: loss of function.

Submission:

Labcorp Genetics (formerly Invitae), Labcorp
Classification: Pathogenic for Maple syrup urine disease. Last evaluated: 2022-11-08. Review status: criteria provided, single submitter. Criteria: Invitae Variant Classification Sherloc (09022015). Collection method: clinical testing. Allele origin: germline.
Comment: ClinVar contains an entry for this variant (Variation ID: 1458115). This variant has not been reported in the literature in individuals affected with DBT-related conditions. This variant is not present in population databases (gnomAD no frequency). This sequence change creates a premature translational stop signal (p.Ser399Profs*14) in the DBT gene. While this is not anticipated to result in nonsense mediated decay, it is expected to disrupt the last 84 amino acid(s) of the DBT protein. This variant disrupts a region of the DBT protein in which other variant(s) (p.Pro411Leu) have been determined to be pathogenic (Invitae). This suggests that this is a clinically significant region of the protein, and that variants that disrupt it are likely to be disease-causing. For these reasons, this variant has been classified as Pathogenic.

NM_001918.5(DBT):c.1195del (p.Ser399fs)

Gene: DBT (dihydrolipoamide branched chain transacylase E2; minus strand). Cytogenetic location: 1p21.2.
Variant type: Deletion.
Coding change: c.1195del on transcript NM_001918.5 (MANE Select); coding-DNA position 1195, one base deleted (T; older notation c.1195delT).
Protein change: p.Ser399fs; shifts the reading frame from serine 399.
Molecular consequence: frameshift variant.
Genome position (GRCh38, 1-based): chr1:100,206,459, A deleted on the plus strand (T on the coding strand, the reverse complement: DBT is on the minus strand); the first of 3 consecutive A bases (chr1:100,206,459-100,206,461); deleting any one gives the same sequence. VCF-style (leftmost placement, unchanged base first): chr1-100206458-GA-G. GRCh37 (hg19) VCF-style: chr1-100672014-GA-G.
Other names: short protein forms S399fs.
Identifiers: ClinVar variation 1458115 (VCV001458115.6), dbSNP rs2100779888, ClinGen allele CA2573130841.